The following is an entry in ClinVar:

ClinVar aggregate classification (germline): Pathogenic (1 of 4 stars; one submission).

Conditions:
Myofibrillar myopathy 5. Also called: Filaminopathy (type); FILAMINOPATHY, AUTOSOMAL DOMINANT. Identifiers: Orphanet 171445, MedGen C1836050, MONDO:0012289, OMIM 609524.
Hypertrophic cardiomyopathy 26. Also called: Cardiomyopathy, familial hypertrophic, 26. Identifiers: Orphanet 75249, MedGen C4310749, MONDO:0014883, OMIM 617047.
Distal myopathy with posterior leg and anterior hand involvement. Also called: WILLIAMS DISTAL MYOPATHY. Identifiers: Orphanet 63273, MedGen C3279722, MONDO:0013550, OMIM 614065.

Submission:

Labcorp Genetics (formerly Invitae), Labcorp
Classification: Pathogenic for Distal myopathy with posterior leg and anterior hand involvement; Myofibrillar myopathy 5; Hypertrophic cardiomyopathy 26. Last evaluated: 2022-02-22. Review status: criteria provided, single submitter. Criteria: Invitae Variant Classification Sherloc (09022015). Collection method: clinical testing. Allele origin: germline.
Comment: This variant has not been reported in the literature in individuals affected with FLNC-related conditions. For these reasons, this variant has been classified as Pathogenic. ClinVar contains an entry for this variant (Variation ID: 936240). This variant is not present in population databases (gnomAD no frequency). This sequence change creates a premature translational stop signal (p.Ser2524*) in the FLNC gene. It is expected to result in an absent or disrupted protein product. Loss-of-function variants in FLNC are known to be pathogenic (PMID: 27908349).

Literature cited by the submitters: PubMed 27908349.

NM_001458.5(FLNC):c.7571del (p.Ser2523_Ser2524insTer)

Genes: FLNC (filamin C; plus strand), FLNC-AS1 (FLNC antisense RNA 1; minus strand). Cytogenetic location: 7q32.1.
Variant type: Deletion.
Coding change: c.7571del on transcript NM_001458.5 (MANE Select); coding-DNA position 7571, one base deleted (C; older notation c.7571delC).
Protein change: p.Ser2523_Ser2524insTer.
Molecular consequence: nonsense.
Genome position (GRCh38, 1-based): chr7:128,857,127, C deleted. VCF-style (leftmost placement, unchanged base first): chr7-128857126-TC-T. GRCh37 (hg19) VCF-style: chr7-128497180-TC-T.
Other names: c.7472del, p.Ser2490_Ser2491insTer (NM_001127487.2).
Identifiers: ClinVar variation 936240 (VCV000936240.8), dbSNP rs1809097778, ClinGen allele CA1139660243.